The following is an entry in ClinVar:

ClinVar aggregate classification (germline): Uncertain significance (1 of 4 stars; one submission).

Conditions:
Hereditary cancer-predisposing syndrome. Also called: Tumor predisposition; Neoplastic Syndromes, Hereditary; Hereditary Cancer Syndrome; Hereditary neoplastic syndrome. Identifiers: Orphanet 140162, MedGen C0027672, MeSH D009386, MONDO:0015356.

gnomAD v4.1: 1 of 1,614,076 alleles (0.000062%); highest among the groups gnomAD compares: African/African-American, 0.0013%; no homozygotes.

Submission:

Ambry Genetics
Classification: Uncertain significance for Hereditary cancer-predisposing syndrome. Last evaluated: 2024-06-30. Review status: criteria provided, single submitter. Criteria: Ambry Variant Classification Scheme 2023. Collection method: clinical testing. Allele origin: germline.
Comment: The p.W394R variant (also known as c.1180T>C), located in coding exon 12 of the FANCC gene, results from a T to C substitution at nucleotide position 1180. The tryptophan at codon 394 is replaced by arginine, an amino acid with dissimilar properties. This amino acid position is conserved. In addition, this alteration is predicted to be deleterious by in silico analysis. Based on the available evidence, the clinical significance of this variant remains unclear.

NM_000136.3(FANCC):c.1180T>C (p.Trp394Arg)

Genes: FANCC (FA complementation group C; minus strand), AOPEP (aminopeptidase O (putative); plus strand). Cytogenetic location: 9q22.32.
Variant type: single nucleotide variant.
Coding change: c.1180T>C on transcript NM_000136.3 (MANE Select); coding-DNA position 1180, T replaced by C.
Protein change: p.Trp394Arg; replaces tryptophan 394 with arginine.
Molecular consequence: missense variant.
Genome position (GRCh38, 1-based): chr9:95,111,612, A>G on the plus strand (T>C on the coding strand, the complement: FANCC is on the minus strand). VCF-style: chr9-95111612-A-G. GRCh37 (hg19) VCF-style: chr9-97873894-A-G.
Other names: c.1180T>C, p.Trp394Arg (NM_001243743.2, NM_001243744.2); short protein forms W394R.
Identifiers: ClinVar variation 3512761 (VCV003512761.1).